The following is an entry in ClinVar:

NM_032242.4(PLXNA1):c.2506C>T (p.Arg836Cys)

Gene: PLXNA1 (plexin A1; plus strand). Cytogenetic location: 3q21.3.
Variant type: single nucleotide variant.
Coding change: c.2506C>T on transcript NM_032242.4 (MANE Select); coding-DNA position 2506, C replaced by T.
Protein change: p.Arg836Cys; replaces arginine 836 with cysteine.
Molecular consequence: missense variant.
Genome position (GRCh38, 1-based): chr3:127,014,277, C>T. VCF-style: chr3-127014277-C-T. GRCh37 (hg19) VCF-style: chr3-126733120-C-T.
Other names: short protein forms R836C.
Identifiers: ClinVar variation 1365731 (VCV001365731.8), dbSNP rs769431870, ClinGen allele CA2593652.
Genomic context (GRCh38, chr3:127,014,277, plus strand): 5'-TGCGGCCTCTGCCTCAAGGCCGACCCGCGCTTCGAGTGCGGATGGTGCGTGGCCGAGCGC[C>T]GCTGCTCCCTGCGACACCACTGCGCTGCCGACACACCTGCATCGTGGATGCACGCGCGTC-3'
Protein context (NP_115618.3, residues 826-846): FECGWCVAER[Arg836Cys]CSLRHHCAAD

ClinVar aggregate classification (germline): Uncertain significance (1 of 4 stars; one submission).

Allele frequency attached by ClinVar (database versions not stated): ExAC 0.00001; gnomAD exomes 0.00001; TOPMed 0.00001.
gnomAD v4.1: 3 of 1,596,138 alleles (0.00019%); highest among the groups gnomAD compares: Admixed American, 0.0034%; no homozygotes.

Submission:

Labcorp Genetics (formerly Invitae), Labcorp
Classification: Uncertain significance. Last evaluated: 2022-10-17. Review status: criteria provided, single submitter. Criteria: Invitae Variant Classification Sherloc (09022015). Collection method: clinical testing. Allele origin: germline.
Comment: ClinVar contains an entry for this variant (Variation ID: 1365731). This variant has not been reported in the literature in individuals affected with PLXNA1-related conditions. The frequency data for this variant in the population databases is considered unreliable, as metrics indicate poor data quality at this position in the gnomAD database. This sequence change replaces arginine, which is basic and polar, with cysteine, which is neutral and slightly polar, at codon 836 of the PLXNA1 protein (p.Arg836Cys). In summary, the available evidence is currently insufficient to determine the role of this variant in disease. Therefore, it has been classified as a Variant of Uncertain Significance. Algorithms developed to predict the effect of missense changes on protein structure and function are either unavailable or do not agree on the potential impact of this missense change (SIFT: "Deleterious"; PolyPhen-2: "Probably Damaging"; Align-GVGD: "Class C0").